The following is an entry in ClinVar:

NM_033225.6(CSMD1):c.7420A>G (p.Arg2474Gly)

Gene: CSMD1 (CUB and Sushi multiple domains 1; minus strand). Cytogenetic location: 8p23.2.
Variant type: single nucleotide variant.
Coding change: c.7420A>G on transcript NM_033225.6 (MANE Select); coding-DNA position 7420, A replaced by G.
Protein change: p.Arg2474Gly; replaces arginine 2474 with glycine.
Molecular consequence: missense variant.
Genome position (GRCh38, 1-based): chr8:3,087,151, T>C on the plus strand (A>G on the coding strand, the complement: CSMD1 is on the minus strand). VCF-style: chr8-3087151-T-C. GRCh37 (hg19) VCF-style: chr8-2944673-T-C.
Other names: short protein forms R2474G.
Identifiers: ClinVar variation 3348361 (VCV003348361.1).
Genomic context (GRCh38, chr8:3,087,151, plus strand): 5'-TCTTACCCTGGCAGAGTGGCGTGAGGGAGTCCCACTGGTACATGCCAAGTGGGTTTCGTC[T>C]ACAGGTTGCATTGCTGTGGCCGACCATTCGGTATCCAGGCTTGCAAAAATAATGCACTTT-3'
Protein context (NP_150094.5, residues 2464-2484): RMVGHSNATC[Arg2474Gly]RNPLGMYQWD

ClinVar aggregate classification (germline): Uncertain significance (0 of 4 stars; one submission).

Conditions:
CSMD1-related disorder. Also called: CSMD1-related condition.

gnomAD v4.1: 2 of 1,613,878 alleles (0.00012%); highest among the groups gnomAD compares: Non-Finnish European, 0.00017%; no homozygotes.

Submission:

PreventionGenetics, part of Exact Sciences
Classification: Uncertain significance for CSMD1-related condition. Last evaluated: 2024-03-18. Review status: no assertion criteria provided. Collection method: clinical testing. Allele origin: germline.
Comment: The CSMD1 c.7420A>G variant is predicted to result in the amino acid substitution p.Arg2474Gly. To our knowledge, this variant has not been reported in the literature or in a large population database, indicating this variant is rare. At this time, the clinical significance of this variant is uncertain due to the absence of conclusive functional and genetic evidence.